The following is an entry in ClinVar:

NM_015065.3(EXPH5):c.4718A>T (p.Asn1573Ile)

Gene: EXPH5 (exophilin 5; minus strand). Cytogenetic location: 11q22.3.
Variant type: single nucleotide variant.
Coding change: c.4718A>T on transcript NM_015065.3 (MANE Select); coding-DNA position 4718, A replaced by T.
Protein change: p.Asn1573Ile; replaces asparagine 1573 with isoleucine.
Molecular consequence: missense variant.
Genome position (GRCh38, 1-based): chr11:108,510,789, T>A on the plus strand (A>T on the coding strand, the complement: EXPH5 is on the minus strand). VCF-style: chr11-108510789-T-A. GRCh37 (hg19) VCF-style: chr11-108381516-T-A.
Other names: c.4490A>T, p.Asn1497Ile (NM_001144763.2); c.4250A>T, p.Asn1417Ile (NM_001144764.2); c.4154A>T, p.Asn1385Ile (NM_001144765.2); c.4697A>T, p.Asn1566Ile (NM_001308019.2); short protein forms N1417I, N1385I, N1497I, N1573I, N1566I.
Identifiers: ClinVar variation 790105 (VCV000790105.11), dbSNP rs34979772, ClinGen allele CA6267471.

ClinVar aggregate classification (germline): Benign. Review status: criteria provided, multiple submitters, no conflicts (2 of 4 stars). 3 submissions from 3 submitters: Benign (2). 1 of the submissions does not count toward it. Last evaluated 2026-01-17.

Conditions:
EXPH5-related disorder. Also called: EXPH5-related condition.

Allele frequency attached by ClinVar (database versions not stated): gnomAD exomes 0.00064 and 0.00171; ExAC 0.00213; gnomAD 0.00686 and 0.00729; 1000 Genomes Project 0.00759; TOPMed 0.00761; ESP Exome Variant Server 0.00777; 1000 Genomes Project 30x 0.00859.
gnomAD v4.1: 2,019 of 1,614,048 alleles (0.13%); highest among the groups gnomAD compares: African/African-American, 2.3%; 22 homozygotes.

Submissions (3):

Labcorp Genetics (formerly Invitae), Labcorp
Classification: Benign. Last evaluated: 2026-01-17. Review status: criteria provided, single submitter. Criteria: Invitae Variant Classification Sherloc (09022015). Collection method: clinical testing. Allele origin: germline.

Breakthrough Genomics
Classification: Benign. Review status: criteria provided, single submitter. Criteria: ACMG Guidelines, 2015. Collection method: not provided. Allele origin: germline. Inheritance: Autosomal recessive inheritance. Affected: yes.

PreventionGenetics, part of Exact Sciences
Classification: Likely benign for EXPH5-related condition. Last evaluated: 2024-07-23. Review status: no assertion criteria provided. Collection method: clinical testing. Allele origin: germline. Not counted in ClinVar's aggregate classification.
Comment: This variant is classified as likely benign based on ACMG/AMP sequence variant interpretation guidelines (Richards et al. 2015 PMID: 25741868, with internal and published modifications).